The following is an entry in ClinVar:

ClinVar aggregate classification (germline): Uncertain significance (1 of 4 stars; one submission).

Conditions:
Developmental and epileptic encephalopathy, 27 (DEE27). Also called: GRIN2B-Related Neurodevelopmental Disorder; Epileptic encephalopathy, early infantile, 27. Identifiers: Orphanet 3451, MedGen C4015316, MONDO:0014505, OMIM 616139.
Intellectual developmental disorder, autosomal dominant 6, with or without seizures. Also called: Intellectual disability, autosomal dominant 6; GRIN2B-related developmental delay, intellectual disability and autism spectrum disorder. Identifiers: Orphanet 589547, MedGen C3151411, MONDO:0013509, OMIM 613970.

Allele frequency attached by ClinVar (database versions not stated): gnomAD exomes below 0.00001.
gnomAD v4.1: 7 of 1,614,238 alleles (0.00043%); highest among the groups gnomAD compares: East Asian, 0.0089%; no homozygotes.

Submission:

Labcorp Genetics (formerly Invitae), Labcorp
Classification: Uncertain significance for Developmental and epileptic encephalopathy, 27; Intellectual developmental disorder, autosomal dominant 6, with or without seizures. Last evaluated: 2025-11-02. Review status: criteria provided, single submitter. Criteria: Invitae Variant Classification Sherloc (09022015). Collection method: clinical testing. Allele origin: germline.
Comment: This sequence change replaces valine, which is neutral and non-polar, with isoleucine, which is neutral and non-polar, at codon 931 of the GRIN2B protein (p.Val931Ile). This variant is present in population databases (no rsID available, gnomAD 0.006%). This missense change has been observed in individual(s) with GRIN2B-related conditions (PMID: 35982159, 35982160). ClinVar contains an entry for this variant (Variation ID: 1036863). Invitae Evidence Modeling of protein sequence and biophysical properties (such as structural, functional, and spatial information, amino acid conservation, physicochemical variation, residue mobility, and thermodynamic stability) indicates that this missense variant is not expected to disrupt GRIN2B protein function with a negative predictive value of 95%. In summary, the available evidence is currently insufficient to determine the role of this variant in disease. Therefore, it has been classified as a Variant of Uncertain Significance.

Literature cited by the submitters: PubMed 35982159; PubMed 35982160.

NM_000834.5(GRIN2B):c.2791G>A (p.Val931Ile)

Gene: GRIN2B (glutamate ionotropic receptor NMDA type subunit 2B; minus strand). Cytogenetic location: 12p13.1.
Variant type: single nucleotide variant.
Coding change: c.2791G>A on transcript NM_000834.5 (MANE Select); coding-DNA position 2791, G replaced by A.
Protein change: p.Val931Ile; replaces valine 931 with isoleucine.
Molecular consequence: missense variant.
Genome position (GRCh38, 1-based): chr12:13,564,447, C>T on the plus strand (G>A on the coding strand, the complement: GRIN2B is on the minus strand). VCF-style: chr12-13564447-C-T. GRCh37 (hg19) VCF-style: chr12-13717381-C-T.
Other names: short protein forms V931I.
Identifiers: ClinVar variation 1036863 (VCV001036863.9), dbSNP rs199941557, ClinGen allele CA383993541.